The following is an entry in ClinVar:

NM_001953.5(TYMP):c.1247G>A (p.Arg416His)

Genes: SCO2 (synthesis of cytochrome C oxidase 2; minus strand), TYMP (thymidine phosphorylase; minus strand), LOC130067862 (ATAC-STARR-seq lymphoblastoid silent region 13986; plus strand). Cytogenetic location: 22q13.33.
Variant type: single nucleotide variant.
Coding change: c.1247G>A on transcript NM_001953.5 (MANE Select); coding-DNA position 1247, G replaced by A.
Protein change: p.Arg416His; replaces arginine 416 with histidine.
Molecular consequence: missense variant. On other transcripts: 5 prime UTR variant (1), intron variant (1).
Genome position (GRCh38, 1-based): chr22:50,526,054, C>T on the plus strand (G>A on the coding strand, the complement: TYMP is on the minus strand). VCF-style: chr22-50526054-C-T. GRCh37 (hg19) VCF-style: chr22-50964483-C-T.
Other names: c.1247G>A, p.Arg416His (NM_001113755.3, NM_001113756.3, NM_001257988.1); c.1262G>A, p.Arg421His (NM_001257989.1); c.-67G>A (NM_001169110.1); c.-14+192G>A (NM_001169109.2); short protein forms R416H, R421H.
Identifiers: ClinVar variation 1929597 (VCV001929597.2), dbSNP rs2522505736, ClinGen allele CA412196865.

ClinVar aggregate classification (germline): Uncertain significance (1 of 4 stars; one submission).

Submission:

Labcorp Genetics (formerly Invitae), Labcorp
Classification: Uncertain significance. Last evaluated: 2022-08-08. Review status: criteria provided, single submitter. Criteria: Invitae Variant Classification Sherloc (09022015). Collection method: clinical testing. Allele origin: germline.
Comment: This sequence change replaces arginine, which is basic and polar, with histidine, which is basic and polar, at codon 416 of the TYMP protein (p.Arg416His). This variant is not present in population databases (gnomAD no frequency). This variant has not been reported in the literature in individuals affected with TYMP-related conditions. Advanced modeling of protein sequence and biophysical properties (such as structural, functional, and spatial information, amino acid conservation, physicochemical variation, residue mobility, and thermodynamic stability) performed at Invitae indicates that this missense variant is not expected to disrupt TYMP protein function. In summary, the available evidence is currently insufficient to determine the role of this variant in disease. Therefore, it has been classified as a Variant of Uncertain Significance.